The following is an entry in ClinVar:

NM_004656.4(BAP1):c.1596T>G (p.Phe532Leu)

Gene: BAP1 (BRCA1 associated deubiquitinase 1; minus strand). Cytogenetic location: 3p21.1.
Variant type: single nucleotide variant.
Coding change: c.1596T>G on transcript NM_004656.4 (MANE Select); coding-DNA position 1596, T replaced by G.
Protein change: p.Phe532Leu; replaces phenylalanine 532 with leucine.
Molecular consequence: missense variant.
Genome position (GRCh38, 1-based): chr3:52,403,549, A>C on the plus strand (T>G on the coding strand, the complement: BAP1 is on the minus strand). VCF-style: chr3-52403549-A-C. GRCh37 (hg19) VCF-style: chr3-52437565-A-C.
Other names: c.1542T>G, p.Phe514Leu (NM_001410772.1); short protein forms F532L, F514L.
Identifiers: ClinVar variation 4620596 (VCV004620596.1).

ClinVar aggregate classification (germline): Uncertain significance (1 of 4 stars; one submission).

Conditions:
Hereditary cancer-predisposing syndrome. Also called: Neoplastic Syndromes, Hereditary; Tumor predisposition; Hereditary Cancer Syndrome; Hereditary neoplastic syndrome. Identifiers: Orphanet 140162, MedGen C0027672, MeSH D009386, MONDO:0015356.

Submission:

Ambry Genetics
Classification: Uncertain significance for Hereditary cancer-predisposing syndrome. Last evaluated: 2025-10-11. Review status: criteria provided, single submitter. Criteria: Ambry Variant Classification Scheme 2023. Collection method: clinical testing. Allele origin: germline.
Comment: The p.F532L variant (also known as c.1596T>G), located in coding exon 13 of the BAP1 gene, results from a T to G substitution at nucleotide position 1596. The phenylalanine at codon 532 is replaced by leucine, an amino acid with highly similar properties. This amino acid position is conserved. In addition, this alteration is predicted to be tolerated by in silico analysis. Based on the available evidence, the clinical significance of this variant remains unclear.